The following is an entry in ClinVar:

ClinVar aggregate classification (germline): Uncertain significance (1 of 4 stars; one submission).

gnomAD v4.1: 3 of 1,613,636 alleles (0.00019%); highest among the groups gnomAD compares: Admixed American, 0.005%; no homozygotes.

Submission:

GeneDx
Classification: Uncertain significance. Last evaluated: 2026-04-17. Review status: criteria provided, single submitter. Criteria: GeneDx Variant Classification Process June 2021. Collection method: clinical testing. Allele origin: germline.
Comment: In silico analysis supports that this missense variant has a deleterious effect on protein structure/function; Has not been previously published as pathogenic or benign to our knowledge

NM_033026.6(PCLO):c.10114G>A (p.Gly3372Arg)

Gene: PCLO (piccolo presynaptic cytomatrix protein; minus strand). Cytogenetic location: 7q21.11.
Variant type: single nucleotide variant.
Coding change: c.10114G>A on transcript NM_033026.6 (MANE Select); coding-DNA position 10114, G replaced by A.
Protein change: p.Gly3372Arg; replaces glycine 3372 with arginine.
Molecular consequence: missense variant.
Genome position (GRCh38, 1-based): chr7:82,950,474, C>T on the plus strand (G>A on the coding strand, the complement: PCLO is on the minus strand). VCF-style: chr7-82950474-C-T. GRCh37 (hg19) VCF-style: chr7-82579790-C-T.
Other names: c.10114G>A, p.Gly3372Arg (NM_014510.3); short protein forms G3372R.
Identifiers: ClinVar variation 5037242 (VCV005037242.1).